The following is an entry in ClinVar:

ClinVar aggregate classification (germline): Likely pathogenic (1 of 4 stars; one submission).

Conditions:
Arrhythmogenic right ventricular cardiomyopathy (ARVD). Also called: Arrhythmogenic cardiomyopathy; Arrhythmogenic Right Ventricular Cardiomyopathy (ARVC); Cardiomyopathy, ARVC; Arrhythmogenic right ventricular dysplasia. Identifiers: Orphanet 247, MedGen C0349788, MeSH D019571, MONDO:0016587. Disease mechanism: loss of function. Inheritance: Various modes of inheritance.

Submission:

Laboratory for Molecular Medicine, Mass General Brigham Personalized Medicine
Classification: Likely pathogenic for Arrhythmogenic right ventricular cardiomyopathy. Last evaluated: 2017-07-05. Review status: criteria provided, single submitter. Criteria: LMM Criteria. Collection method: clinical testing. Allele origin: germline. Inheritance: Autosomal dominant inheritance. Observed: 1 variant allele.
Comment: The c.1035-1G>A variant in PKP2 has not been previously reported in individuals with ARVC or in large population studies. This variant occurs in the invariant r egion (+/-1,2) of the splice consensus sequence and is predicted to cause altere d splicing leading to an abnormal or absent protein. Splicing variants and other truncating variants in PKP2 are well-reported in individuals with ARVC (ARVD/C Genetic Variant Database; Human Gene Mutation Database ). In summary, although additional studies are required to fully establish its c linical significance, the c.1035-1G>A variant is likely pathogenic.

NM_001005242.3(PKP2):c.1035-1G>A

Gene: PKP2 (plakophilin 2; minus strand). Cytogenetic location: 12p11.21.
Variant type: single nucleotide variant.
Coding change: c.1035-1G>A on transcript NM_001005242.3 (MANE Select); the canonical splice acceptor site of the intron before coding-DNA position 1035, G replaced by A.
Molecular consequence: splice acceptor variant.
Genome position (GRCh38, 1-based): chr12:32,869,063, C>T on the plus strand (G>A on the coding strand, the complement: PKP2 is on the minus strand). VCF-style: chr12-32869063-C-T. GRCh37 (hg19) VCF-style: chr12-33021997-C-T.
Other names: c.1035-1G>A (NM_001407156.1, NM_001407155.1, NM_004572.4 and 2 more transcripts); c.708-1G>A (NM_001407160.1, NM_001407159.1, NM_001407158.1 and 1 more transcripts).
Identifiers: ClinVar variation 517431 (VCV000517431.5), dbSNP rs1555147210, ClinGen allele CA384360026.